The following is an entry in ClinVar:

ClinVar aggregate classification (germline): Uncertain significance. Review status: criteria provided, multiple submitters, no conflicts (2 of 4 stars). 2 submissions from 2 submitters: Uncertain significance (2). Last evaluated 2025-04-11.

Conditions:
Inborn genetic diseases. Identifiers: MedGen C0950123, MeSH D030342.

gnomAD v4.1: 86 of 1,611,146 alleles (0.0053%); highest among the groups gnomAD compares: Non-Finnish European, 0.007%; no homozygotes.

Submissions (2):

Ambry Genetics
Classification: Uncertain significance for Inborn genetic diseases. Last evaluated: 2025-04-11. Review status: criteria provided, single submitter. Criteria: Ambry Variant Classification Scheme 2023. Collection method: clinical testing. Allele origin: germline.

GeneDx
Classification: Uncertain significance. Last evaluated: 2023-05-25. Review status: criteria provided, single submitter. Criteria: GeneDx Variant Classification Process June 2021. Collection method: clinical testing. Allele origin: germline. Affected: yes.
Comment: Has not been previously published as pathogenic or benign to our knowledge; In silico analysis supports that this missense variant does not alter protein structure/function

NM_198569.3(ADGRG6):c.2609T>C (p.Ile870Thr)

Gene: ADGRG6 (adhesion G protein-coupled receptor G6; plus strand). Cytogenetic location: 6q24.2.
Variant type: single nucleotide variant.
Coding change: c.2609T>C on transcript NM_198569.3 (MANE Select); coding-DNA position 2609, T replaced by C.
Protein change: p.Ile870Thr; replaces isoleucine 870 with threonine.
Molecular consequence: missense variant.
Genome position (GRCh38, 1-based): chr6:142,415,036, T>C. VCF-style: chr6-142415036-T-C. GRCh37 (hg19) VCF-style: chr6-142736173-T-C.
Other names: c.2525T>C, p.Ile842Thr (NM_001032394.3, NM_001032395.3); c.2609T>C, p.Ile870Thr (NM_020455.6); short protein forms I842T, I870T.
Identifiers: ClinVar variation 3362036 (VCV003362036.2).